The following is an entry in ClinVar:

NM_000368.5(TSC1):c.1237C>G (p.Gln413Glu)

Gene: TSC1 (TSC complex subunit 1; minus strand). Cytogenetic location: 9q34.13.
Variant type: single nucleotide variant.
Coding change: c.1237C>G on transcript NM_000368.5 (MANE Select); coding-DNA position 1237, C replaced by G.
Protein change: p.Gln413Glu; replaces glutamine 413 with glutamic acid.
Molecular consequence: missense variant.
Genome position (GRCh38, 1-based): chr9:132,910,597, G>C on the plus strand (C>G on the coding strand, the complement: TSC1 is on the minus strand). VCF-style: chr9-132910597-G-C. GRCh37 (hg19) VCF-style: chr9-135785984-G-C.
Other names: c.1234C>G, p.Gln412Glu (NM_001162426.2); c.1084C>G, p.Gln362Glu (NM_001162427.2); c.874C>G, p.Gln292Glu (NM_001362177.2); short protein forms Q362E, Q412E, Q413E, Q292E.
Identifiers: ClinVar variation 661835 (VCV000661835.13), dbSNP rs1588321339, ClinGen allele CA375366818.

ClinVar aggregate classification (germline): Uncertain significance. Review status: criteria provided, multiple submitters, no conflicts (2 of 4 stars). 3 submissions from 3 submitters: Uncertain significance (3). Last evaluated 2025-09-30.

Conditions:
Hereditary cancer-predisposing syndrome. Also called: Neoplastic Syndromes, Hereditary; Hereditary neoplastic syndrome; Tumor predisposition; Hereditary Cancer Syndrome. Identifiers: Orphanet 140162, MedGen C0027672, MeSH D009386, MONDO:0015356.
Tuberous sclerosis syndrome (TSC). Also called: Tuberous Sclerosis Complex; Tuberous sclerosis. Identifiers: Orphanet 805, MedGen C0041341, MONDO:0001734.
Tuberous sclerosis 1 (TSC1). Identifiers: Orphanet 805, MedGen C1854465, MONDO:0008612, OMIM 191100.

Allele frequency attached by ClinVar (database versions not stated): gnomAD 0.00001.
gnomAD v4.1: 1 of 1,613,996 alleles (0.000062%); highest among the groups gnomAD compares: African/African-American, 0.0013%; no homozygotes.

Submissions (3):

Ambry Genetics
Classification: Uncertain significance for Hereditary cancer-predisposing syndrome. Last evaluated: 2025-09-30. Review status: criteria provided, single submitter. Criteria: Ambry Variant Classification Scheme 2023. Collection method: clinical testing. Allele origin: germline.
Comment: The p.Q413E variant (also known as c.1237C>G), located in coding exon 10 of the TSC1 gene, results from a C to G substitution at nucleotide position 1237. The glutamine at codon 413 is replaced by glutamic acid, an amino acid with highly similar properties. This amino acid position is conserved. In addition, this alteration is predicted to be tolerated by in silico analysis. Based on the available evidence, the clinical significance of this variant remains unclear.

Labcorp Genetics (formerly Invitae), Labcorp
Classification: Uncertain significance for Tuberous sclerosis 1. Last evaluated: 2024-10-23. Review status: criteria provided, single submitter. Criteria: Invitae Variant Classification Sherloc (09022015). Collection method: clinical testing. Allele origin: germline.
Comment: This sequence change replaces glutamine, which is neutral and polar, with glutamic acid, which is acidic and polar, at codon 413 of the TSC1 protein (p.Gln413Glu). This variant is not present in population databases (gnomAD no frequency). This variant has not been reported in the literature in individuals affected with TSC1-related conditions. ClinVar contains an entry for this variant (Variation ID: 661835). Invitae Evidence Modeling of protein sequence and biophysical properties (such as structural, functional, and spatial information, amino acid conservation, physicochemical variation, residue mobility, and thermodynamic stability) indicates that this missense variant is not expected to disrupt TSC1 protein function with a negative predictive value of 95%. In summary, the available evidence is currently insufficient to determine the role of this variant in disease. Therefore, it has been classified as a Variant of Uncertain Significance.

All of Us Research Program, National Institutes of Health
Classification: Uncertain significance for Tuberous sclerosis syndrome. Last evaluated: 2024-01-11. Review status: criteria provided, single submitter. Criteria: ACMG Guidelines, 2015. Collection method: clinical testing. Allele origin: germline. Inheritance: Autosomal dominant inheritance. Observed: 1 variant allele, 1 heterozygote.
Comment: This study involves interpretation of variants in research participants for the purpose of population health screening. Participant phenotype was not available at the time of variant classification. Additional details can be found in publication PMID: 35346344, PMCID: PMC8962531